The following is an entry in ClinVar:

ClinVar aggregate classification (germline): Likely benign (1 of 4 stars; one submission).

Conditions:
AKAP10-related disorder. Also called: AKAP10-related condition.

gnomAD v4.1: 13 of 1,603,162 alleles (0.00081%); highest among the groups gnomAD compares: Admixed American, 0.021%; no homozygotes.

Submission:

PreventionGenetics, part of Exact Sciences
Classification: Likely benign for AKAP10-related condition. Last evaluated: 2026-04-09. Review status: criteria provided, single submitter. Criteria: ACMG Guidelines, 2015. Collection method: clinical testing. Allele origin: germline.
Comment: This variant is classified as likely benign based on ACMG/AMP sequence variant interpretation guidelines (Richards et al. 2015 PMID: 25741868, with internal and published modifications).

NM_007202.4(AKAP10):c.1074G>A (p.Glu358=)

Gene: AKAP10 (A-kinase anchoring protein 10; minus strand). Cytogenetic location: 17p11.2.
Variant type: single nucleotide variant.
Coding change: c.1074G>A on transcript NM_007202.4 (MANE Select); coding-DNA position 1074, G replaced by A.
Protein change: p.Glu358=; no amino-acid change (glutamic acid 358 retained).
Molecular consequence: synonymous variant.
Genome position (GRCh38, 1-based): chr17:19,940,998, C>T on the plus strand (G>A on the coding strand, the complement: AKAP10 is on the minus strand). VCF-style: chr17-19940998-C-T. GRCh37 (hg19) VCF-style: chr17-19844311-C-T.
Other names: c.1074G>A, p.Glu358= (NM_001330152.2).
Identifiers: ClinVar variation 4989246 (VCV004989246.1).